The following is an entry in ClinVar:

ClinVar aggregate classification (germline): Uncertain significance (1 of 4 stars; one submission).

Conditions:
Cardiovascular phenotype. Identifiers: MedGen CN230736.

Allele frequency attached by ClinVar (database versions not stated): TOPMed below 0.00001; gnomAD 0.00002.
gnomAD v4.1: 39 of 1,554,796 alleles (0.0025%); highest among the groups gnomAD compares: Non-Finnish European, 0.0031%; no homozygotes.

Submission:

Ambry Genetics
Classification: Uncertain significance for Cardiovascular phenotype. Last evaluated: 2021-08-10. Review status: criteria provided, single submitter. Criteria: Ambry Variant Classification Scheme 2023. Collection method: clinical testing. Allele origin: germline.
Comment: The p.E432D variant (also known as c.1296G>T), located in coding exon 6 of the EPHB4 gene, results from a G to T substitution at nucleotide position 1296. The glutamic acid at codon 432 is replaced by aspartic acid, an amino acid with highly similar properties. This amino acid position is conserved. In addition, this alteration is predicted to be tolerated by in silico analysis. Since supporting evidence is limited at this time, the clinical significance of this alteration remains unclear.

NM_004444.5(EPHB4):c.1296G>T (p.Glu432Asp)

Gene: EPHB4 (EPH receptor B4; minus strand). Cytogenetic location: 7q22.1.
Variant type: single nucleotide variant.
Coding change: c.1296G>T on transcript NM_004444.5 (MANE Select); coding-DNA position 1296, G replaced by T.
Protein change: p.Glu432Asp; replaces glutamic acid 432 with aspartic acid.
Molecular consequence: missense variant.
Genome position (GRCh38, 1-based): chr7:100,819,558, C>A on the plus strand (G>T on the coding strand, the complement: EPHB4 is on the minus strand). VCF-style: chr7-100819558-C-A. GRCh37 (hg19) VCF-style: chr7-100417180-C-A.
Other names: short protein forms E432D.
Identifiers: ClinVar variation 1769228 (VCV001769228.2), dbSNP rs947529034, ClinGen allele CA163284856.